The following is an entry in ClinVar:

ClinVar aggregate classification (germline): Benign/Likely benign. Review status: criteria provided, multiple submitters, no conflicts (2 of 4 stars). 7 submissions from 7 submitters: Benign (4); Likely benign (2). 1 of the submissions does not count toward it. Last evaluated 2026-02-03.

Conditions:
DNAJC21-related disorder. Also called: DNAJC21-related condition.
Bone marrow failure syndrome 3 (BMFS3). Identifiers: MedGen C4310744, MONDO:0014887, OMIM 617052.

Allele frequency attached by ClinVar (database versions not stated): 1000 Genomes Project 0.00559; 1000 Genomes Project 30x 0.00609; gnomAD 0.01043 and 0.01096; gnomAD exomes 0.01072 and 0.01514; TOPMed 0.01083; ExAC 0.01093; ESP Exome Variant Server 0.01384.
gnomAD v4.1: 23,533 of 1,613,132 alleles (1.5%); highest among the groups gnomAD compares: Non-Finnish European, 1.8%; 209 homozygotes.

Submissions (7):

Labcorp Genetics (formerly Invitae), Labcorp
Classification: Benign. Last evaluated: 2026-02-03. Review status: criteria provided, single submitter. Criteria: Invitae Variant Classification Sherloc (09022015). Collection method: clinical testing. Allele origin: germline.

Women's Health and Genetics/Laboratory Corporation of America, LabCorp
Classification: Likely benign. Last evaluated: 2026-01-23. Review status: criteria provided, single submitter. Criteria: LabCorp Variant Classification Summary - May 2015. Collection method: clinical testing. Allele origin: germline.

ARUP Laboratories, Molecular Genetics and Genomics, ARUP Laboratories
Classification: Benign for Bone marrow failure syndrome 3. Last evaluated: 2025-06-02. Review status: criteria provided, single submitter. Criteria: ARUP Molecular Germline Variant Investigation Process 2024. Collection method: clinical testing. Allele origin: germline.

Blueprint Genetics
Classification: Likely benign. Last evaluated: 2024-11-25. Review status: criteria provided, single submitter. Criteria: ACMG Guidelines, 2015. Collection method: clinical testing. Allele origin: germline.

Mayo Clinic Laboratories, Mayo Clinic
Classification: Benign. Last evaluated: 2023-05-17. Review status: criteria provided, single submitter. Criteria: ACMG Guidelines, 2015. Collection method: clinical testing. Allele origin: germline. Observed: 10 variant alleles.
Comment: BS1, BS2, BP4

Breakthrough Genomics
Classification: Benign. Review status: criteria provided, single submitter. Criteria: ACMG Guidelines, 2015. Collection method: not provided. Allele origin: germline. Inheritance: Autosomal recessive inheritance. Affected: yes.

PreventionGenetics, part of Exact Sciences
Classification: Benign for DNAJC21-related condition. Last evaluated: 2019-05-06. Review status: no assertion criteria provided. Collection method: clinical testing. Allele origin: germline. Not counted in ClinVar's aggregate classification.
Comment: This variant is classified as benign based on ACMG/AMP sequence variant interpretation guidelines (Richards et al. 2015 PMID: 25741868, with internal and published modifications).

NM_001012339.3(DNAJC21):c.1547A>G (p.Asn516Ser)

Gene: DNAJC21 (DnaJ heat shock protein family (Hsp40) member C21; plus strand). Cytogenetic location: 5p13.2.
Variant type: single nucleotide variant.
Coding change: c.1547A>G on transcript NM_001012339.3 (MANE Select); coding-DNA position 1547, A replaced by G.
Protein change: p.Asn516Ser; replaces asparagine 516 with serine.
Molecular consequence: missense variant.
Genome position (GRCh38, 1-based): chr5:34,954,665, A>G. VCF-style: chr5-34954665-A-G. GRCh37 (hg19) VCF-style: chr5-34954770-A-G.
Other names: p.Asn516Ser; c.1547A>G (NM_001012339.2); c.1586A>G, p.Asn529Ser (NM_001348420.2); c.1682A>G, p.Asn561Ser (NM_194283.4); short protein forms N516S, N529S, N561S.
Identifiers: ClinVar variation 1168207 (VCV001168207.17), dbSNP rs35999194, ClinGen allele CA3228887.